The following is an entry in ClinVar:

ClinVar aggregate classification (germline): Uncertain significance (1 of 4 stars; one submission).

Allele frequency attached by ClinVar (database versions not stated): gnomAD exomes 0.00001 and 0.00002; TOPMed below 0.00001; ExAC 0.00001; gnomAD 0.00001.
gnomAD v4.1: 24 of 1,613,810 alleles (0.0015%); highest among the groups gnomAD compares: Non-Finnish European, 0.0017%; no homozygotes.

Submission:

Labcorp Genetics (formerly Invitae), Labcorp
Classification: Uncertain significance. Last evaluated: 2022-03-15. Review status: criteria provided, single submitter. Criteria: Invitae Variant Classification Sherloc (09022015). Collection method: clinical testing. Allele origin: germline.
Comment: This variant has not been reported in the literature in individuals affected with PIGV-related conditions. Algorithms developed to predict the effect of missense changes on protein structure and function are either unavailable or do not agree on the potential impact of this missense change (SIFT: "Tolerated"; PolyPhen-2: "Probably Damaging"; Align-GVGD: "Class C0"). In summary, the available evidence is currently insufficient to determine the role of this variant in disease. Therefore, it has been classified as a Variant of Uncertain Significance. This variant is present in population databases (rs767977785, gnomAD 0.004%). This sequence change replaces arginine, which is basic and polar, with histidine, which is basic and polar, at codon 19 of the PIGV protein (p.Arg19His).

NM_017837.4(PIGV):c.56G>A (p.Arg19His)

Gene: PIGV (phosphatidylinositol glycan anchor biosynthesis class V; plus strand). Cytogenetic location: 1p36.11.
Variant type: single nucleotide variant.
Coding change: c.56G>A on transcript NM_017837.4 (MANE Select); coding-DNA position 56, G replaced by A.
Protein change: p.Arg19His; replaces arginine 19 with histidine.
Molecular consequence: missense variant. On other transcripts: non-coding transcript variant (2), intron variant (1).
Genome position (GRCh38, 1-based): chr1:26,790,871, G>A. VCF-style: chr1-26790871-G-A. GRCh37 (hg19) VCF-style: chr1-27117362-G-A.
Other names: c.56G>A, p.Arg19His (NM_001202554.2, NM_001374478.1, NM_001374480.1 and 5 more transcripts); c.-304+3065G>A (NM_001374483.1); short protein forms R19H.
Identifiers: ClinVar variation 1352869 (VCV001352869.5), dbSNP rs767977785, ClinGen allele CA707972.
Genomic context (GRCh38, chr1:26,790,871, plus strand): 5'-AAAGGATGTGGCCCCAGGACCCATCCCGGAAGGAGGTGCTGAGGTTTGCAGTCAGCTGCC[G>A]TATCCTGACTCTGATGCTGCAGGTCAGTCTCCCATCCTTTGTCCTGAATGTGCTATTGCT-3'
Protein context (NP_060307.2, residues 9-29): KEVLRFAVSC[Arg19His]ILTLMLQALF